The following is an entry in ClinVar:

ClinVar aggregate classification (germline): Uncertain significance. Review status: criteria provided, multiple submitters, no conflicts (2 of 4 stars). 2 submissions from 2 submitters: Uncertain significance (2). Last evaluated 2025-10-01.

Conditions:
Inborn genetic diseases. Identifiers: MedGen C0950123, MeSH D030342.

gnomAD v4.1: 7 of 1,607,336 alleles (0.00044%); highest among the groups gnomAD compares: Admixed American, 0.0083%; no homozygotes.

Submissions (2):

Labcorp Genetics (formerly Invitae), Labcorp
Classification: Uncertain significance. Last evaluated: 2025-10-01. Review status: criteria provided, single submitter. Criteria: Invitae Variant Classification Sherloc (09022015). Collection method: clinical testing. Allele origin: germline.
Comment: This sequence change replaces tyrosine, which is neutral and polar, with histidine, which is basic and polar, at codon 197 of the FUT8 protein (p.Tyr197His). This variant is present in population databases (rs772527574, gnomAD 0.01%). This variant has not been reported in the literature in individuals affected with FUT8-related conditions. ClinVar contains an entry for this variant (Variation ID: 4027345). Invitae Evidence Modeling of protein sequence and biophysical properties (such as structural, functional, and spatial information, amino acid conservation, physicochemical variation, residue mobility, and thermodynamic stability) indicates that this missense variant is not expected to disrupt FUT8 protein function with a negative predictive value of 80%. In summary, the available evidence is currently insufficient to determine the role of this variant in disease. Therefore, it has been classified as a Variant of Uncertain Significance.

Ambry Genetics
Classification: Uncertain significance for Inborn genetic diseases. Last evaluated: 2025-04-10. Review status: criteria provided, single submitter. Criteria: Ambry Variant Classification Scheme 2023. Collection method: clinical testing. Allele origin: germline.

NM_001371533.1(FUT8):c.589T>C (p.Tyr197His)

Gene: FUT8 (fucosyltransferase 8; plus strand). Cytogenetic location: 14q23.3.
Variant type: single nucleotide variant.
Coding change: c.589T>C on transcript NM_001371533.1 (MANE Select); coding-DNA position 589, T replaced by C.
Protein change: p.Tyr197His; replaces tyrosine 197 with histidine.
Molecular consequence: missense variant. On other transcripts: non-coding transcript variant (1).
Genome position (GRCh38, 1-based): chr14:65,629,598, T>C. VCF-style: chr14-65629598-T-C. GRCh37 (hg19) VCF-style: chr14-66096316-T-C.
Other names: c.589T>C, p.Tyr197His (NM_001371534.1, NM_178155.3, NM_178156.2); c.691T>C, p.Tyr231His (NM_001371536.1); c.100T>C, p.Tyr34His (NM_004480.4); short protein forms Y231H, Y34H, Y197H.
Identifiers: ClinVar variation 4027345 (VCV004027345.2).